The following is an entry in ClinVar:

NM_000426.4(LAMA2):c.1425G>T (p.Gly475=)

Gene: LAMA2 (laminin subunit alpha 2; plus strand). Cytogenetic location: 6q22.33.
Variant type: single nucleotide variant.
Coding change: c.1425G>T on transcript NM_000426.4 (MANE Select); coding-DNA position 1425, G replaced by T.
Protein change: p.Gly475=; no amino-acid change (glycine 475 retained).
Molecular consequence: synonymous variant.
Genome position (GRCh38, 1-based): chr6:129,177,824, G>T. VCF-style: chr6-129177824-G-T. GRCh37 (hg19) VCF-style: chr6-129498969-G-T.
Other names: c.1425G>T, p.Gly475= (NM_001079823.2).
Identifiers: ClinVar variation 653313 (VCV000653313.6), dbSNP rs758436223, ClinGen allele CA451935301.
Genomic context (GRCh38, chr6:129,177,824, plus strand): 5'-GTGTGCCAGGGGCTACACTGGCTACCCGGACTGCAAAGCCTGTAACTGCAGTGGGTTAGG[G>T]AGCAAAAATGAGGATCCTTGTTTTGGCCCCTGTATCTGCAAGGTACATTGTTTATTCCAG-3'
Protein context (NP_000417.3, residues 465-485): DCKACNCSGL[Gly475=]SKNEDPCFGP

ClinVar aggregate classification (germline): Uncertain significance (1 of 4 stars; one submission).

Conditions:
LAMA2-related muscular dystrophy (LAMA2-RD). Also called: Laminin alpha 2-related dystrophy. Identifiers: MedGen C5679788, MONDO:0100228.

gnomAD v4.1: 7 of 1,613,924 alleles (0.00043%); highest among the groups gnomAD compares: Non-Finnish European, 0.00059%; no homozygotes.

Submission:

Labcorp Genetics (formerly Invitae), Labcorp
Classification: Uncertain significance for LAMA2-related muscular dystrophy. Last evaluated: 2022-09-13. Review status: criteria provided, single submitter. Criteria: Invitae Variant Classification Sherloc (09022015). Collection method: clinical testing. Allele origin: germline.
Comment: This sequence change affects codon 475 of the LAMA2 mRNA. It is a 'silent' change, meaning that it does not change the encoded amino acid sequence of the LAMA2 protein. This variant is present in population databases (no rsID available, gnomAD 0.0009%). This variant has not been reported in the literature in individuals affected with LAMA2-related conditions. ClinVar contains an entry for this variant (Variation ID: 653313). Algorithms developed to predict the effect of sequence changes on RNA splicing suggest that this variant may disrupt the consensus splice site. In summary, the available evidence is currently insufficient to determine the role of this variant in disease. Therefore, it has been classified as a Variant of Uncertain Significance.